The following is an entry in ClinVar:

NM_000363.5(TNNI3):c.126_131del (p.Ala43_Ser44del)

Gene: TNNI3 (troponin I3, cardiac type; minus strand). Cytogenetic location: 19q13.42.
Variant type: Deletion.
Coding change: c.126_131del on transcript NM_000363.5 (MANE Select); coding-DNA positions 126 to 131, 6 bases deleted (CGCCTC; older notation c.126_131delCGCCTC).
Protein change: p.Ala43_Ser44del.
Molecular consequence: inframe deletion.
Genome position (GRCh38, 1-based): chr19:55,156,622-55,156,627, GAGGCG deleted on the plus strand (CGCCTC on the coding strand, the reverse complement: TNNI3 is on the minus strand); deleting any 6 consecutive bases within chr19:55,156,622-55,156,630 gives the same sequence; the c. name uses the placement nearest the transcript's 3' end. VCF-style (leftmost placement, unchanged base first): chr19-55156621-CGAGGCG-C. GRCh37 (hg19) VCF-style: chr19-55667989-CGAGGCG-C.
Identifiers: ClinVar variation 4732279 (VCV004732279.1).

ClinVar aggregate classification (germline): Uncertain significance (1 of 4 stars; one submission).

Conditions:
Hypertrophic cardiomyopathy. Also called: HYPERTROPHIC MYOCARDIOPATHY. Identifiers: Orphanet 217569, MedGen C0007194, MeSH D002312, MONDO:0005045, HP:0001639.

Submission:

Labcorp Genetics (formerly Invitae), Labcorp
Classification: Uncertain significance for Hypertrophic cardiomyopathy. Last evaluated: 2025-12-01. Review status: criteria provided, single submitter. Criteria: Invitae Variant Classification Sherloc (09022015). Collection method: clinical testing. Allele origin: germline.
Comment: This variant, c.126_131del, results in the deletion of 2 amino acid(s) of the TNNI3 protein (p.Ala43_Ser44del), but otherwise preserves the integrity of the reading frame. This variant is not present in population databases (gnomAD no frequency). This variant has not been reported in the literature in individuals affected with TNNI3-related conditions. Experimental studies and prediction algorithms are not available or were not evaluated, and the functional significance of this variant is currently unknown. Algorithms developed to predict the effect of sequence changes on RNA splicing suggest that this variant may disrupt the consensus splice site. In summary, the available evidence is currently insufficient to determine the role of this variant in disease. Therefore, it has been classified as a Variant of Uncertain Significance.